The following is an entry in ClinVar:

ClinVar aggregate classification (germline): Uncertain significance (1 of 4 stars; one submission).

Conditions:
KBG syndrome (KBGS). Also called: ANKRD11-Related KBG Syndrome. Identifiers: Orphanet 2332, MedGen C0220687, MONDO:0007846, OMIM 148050.

gnomAD v4.1: 28 of 1,613,206 alleles (0.0017%); highest among the groups gnomAD compares: Middle Eastern, 0.016%; no homozygotes.

Submission:

Labcorp Genetics (formerly Invitae), Labcorp
Classification: Uncertain significance for KBG syndrome. Last evaluated: 2024-07-03. Review status: criteria provided, single submitter. Criteria: Invitae Variant Classification Sherloc (09022015). Collection method: clinical testing. Allele origin: germline.
Comment: This sequence change replaces proline, which is neutral and non-polar, with leucine, which is neutral and non-polar, at codon 1510 of the ANKRD11 protein (p.Pro1510Leu). This variant is present in population databases (rs770592504, gnomAD 0.003%). This variant has not been reported in the literature in individuals affected with ANKRD11-related conditions. Advanced modeling of protein sequence and biophysical properties (such as structural, functional, and spatial information, amino acid conservation, physicochemical variation, residue mobility, and thermodynamic stability) performed at Invitae indicates that this missense variant is not expected to disrupt ANKRD11 protein function with a negative predictive value of 95%. In summary, the available evidence is currently insufficient to determine the role of this variant in disease. Therefore, it has been classified as a Variant of Uncertain Significance.

NM_013275.6(ANKRD11):c.4529C>T (p.Pro1510Leu)

Gene: ANKRD11 (ankyrin repeat domain 11; minus strand). Cytogenetic location: 16q24.3.
Variant type: single nucleotide variant.
Coding change: c.4529C>T on transcript NM_013275.6 (MANE Select); coding-DNA position 4529, C replaced by T.
Protein change: p.Pro1510Leu; replaces proline 1510 with leucine.
Molecular consequence: missense variant.
Genome position (GRCh38, 1-based): chr16:89,282,013, G>A on the plus strand (C>T on the coding strand, the complement: ANKRD11 is on the minus strand). VCF-style: chr16-89282013-G-A. GRCh37 (hg19) VCF-style: chr16-89348421-G-A.
Other names: c.4529C>T, p.Pro1510Leu (NM_001256182.2, NM_001256183.2); short protein forms P1510L.
Identifiers: ClinVar variation 3630203 (VCV003630203.2).